The following is an entry in ClinVar:

ClinVar aggregate classification (germline): Uncertain significance (1 of 4 stars; one submission).

Conditions:
Dyskinesia with orofacial involvement, autosomal dominant (DSKOD). Also called: Familial dyskinesia and facial myokymia; Dyskinesia, familial, with facial myokymia; Familial Dyskinesia with Facial Myokymia (FDFM). Identifiers: Orphanet 324588, MedGen C1847627, MONDO:0800028, OMIM 606703.

Submission:

3billion
Classification: Uncertain significance for Dyskinesia with orofacial involvement, autosomal dominant. Last evaluated: 2025-06-24. Review status: criteria provided, single submitter. Criteria: ACMG Guidelines, 2015. Collection method: clinical testing. Allele origin: germline. Affected: yes.
Comment: The variant is not observed in the gnomAD v4.1.0 dataset. Predicted Consequence/Location: Missense variant In silico tool predictions suggest damaging effect of the variant on gene or gene product [REVEL: 0.73 (>=0.6, sensitivity 0.68 and specificity 0.92)]. Therefore, this variant is classified as VUS according to the recommendation of ACMG/AMP guideline.

NM_183357.3(ADCY5):c.623G>C (p.Cys208Ser)

Gene: ADCY5 (adenylate cyclase 5; minus strand). Cytogenetic location: 3q21.1.
Variant type: single nucleotide variant.
Coding change: c.623G>C on transcript NM_183357.3 (MANE Select); coding-DNA position 623, G replaced by C.
Protein change: p.Cys208Ser; replaces cysteine 208 with serine.
Molecular consequence: missense variant.
Genome position (GRCh38, 1-based): chr3:123,447,923, C>G on the plus strand (G>C on the coding strand, the complement: ADCY5 is on the minus strand). VCF-style: chr3-123447923-C-G. GRCh37 (hg19) VCF-style: chr3-123166770-C-G.
Other names: c.623G>C, p.Cys208Ser (NM_001378259.1); short protein forms C208S.
Identifiers: ClinVar variation 4855976 (VCV004855976.1).